The following is an entry in ClinVar:

NM_198271.5(LMOD3):c.985G>A (p.Ala329Thr)

Gene: LMOD3 (leiomodin 3; minus strand). Cytogenetic location: 3p14.1.
Variant type: single nucleotide variant.
Coding change: c.985G>A on transcript NM_198271.5 (MANE Select); coding-DNA position 985, G replaced by A.
Protein change: p.Ala329Thr; replaces alanine 329 with threonine.
Molecular consequence: missense variant.
Genome position (GRCh38, 1-based): chr3:69,119,370, C>T on the plus strand (G>A on the coding strand, the complement: LMOD3 is on the minus strand). VCF-style: chr3-69119370-C-T. GRCh37 (hg19) VCF-style: chr3-69168521-C-T.
Other names: c.985G>A, p.Ala329Thr (NM_001304418.3); short protein forms A329T.
Identifiers: ClinVar variation 1903567 (VCV001903567.5), dbSNP rs769758642, ClinGen allele CA2488880.

ClinVar aggregate classification (germline): Uncertain significance (1 of 4 stars; one submission).

Conditions:
Nemaline myopathy 10 (NEM10). Identifiers: MedGen C4015360, MONDO:0014513, OMIM 616165.

Allele frequency attached by ClinVar (database versions not stated): ExAC 0.00001; TOPMed 0.00001.
gnomAD v4.1: 1 of 1,613,928 alleles (0.000062%); highest among the groups gnomAD compares: South Asian, 0.0011%; no homozygotes.

Submission:

Labcorp Genetics (formerly Invitae), Labcorp
Classification: Uncertain significance for Nemaline myopathy 10. Last evaluated: 2022-08-08. Review status: criteria provided, single submitter. Criteria: Invitae Variant Classification Sherloc (09022015). Collection method: clinical testing. Allele origin: germline.
Comment: This sequence change replaces alanine, which is neutral and non-polar, with threonine, which is neutral and polar, at codon 329 of the LMOD3 protein (p.Ala329Thr). This variant is present in population databases (rs769758642, gnomAD 0.003%). This variant has not been reported in the literature in individuals affected with LMOD3-related conditions. Algorithms developed to predict the effect of missense changes on protein structure and function (SIFT, PolyPhen-2, Align-GVGD) all suggest that this variant is likely to be disruptive. In summary, the available evidence is currently insufficient to determine the role of this variant in disease. Therefore, it has been classified as a Variant of Uncertain Significance.